The following is an entry in ClinVar:

NM_003705.5(SLC25A12):c.1415T>C (p.Leu472Pro)

Gene: SLC25A12 (solute carrier family 25 member 12; minus strand). Cytogenetic location: 2q31.1.
Variant type: single nucleotide variant.
Coding change: c.1415T>C on transcript NM_003705.5 (MANE Select); coding-DNA position 1415, T replaced by C.
Protein change: p.Leu472Pro; replaces leucine 472 with proline.
Molecular consequence: missense variant. On other transcripts: non-coding transcript variant (1).
Genome position (GRCh38, 1-based): chr2:171,793,658, A>G on the plus strand (T>C on the coding strand, the complement: SLC25A12 is on the minus strand). VCF-style: chr2-171793658-A-G. GRCh37 (hg19) VCF-style: chr2-172650168-A-G.
Other names: short protein forms L472P.
Identifiers: ClinVar variation 1405374 (VCV001405374.6), dbSNP rs1459605498, ClinGen allele CA349289330.

ClinVar aggregate classification (germline): Uncertain significance (1 of 4 stars; one submission).

Allele frequency attached by ClinVar (database versions not stated): gnomAD exomes below 0.00001.
gnomAD v4.1: 5 of 1,614,170 alleles (0.00031%); highest among the groups gnomAD compares: Non-Finnish European, 0.00042%; no homozygotes.

Submission:

Labcorp Genetics (formerly Invitae), Labcorp
Classification: Uncertain significance. Last evaluated: 2022-08-31. Review status: criteria provided, single submitter. Criteria: Invitae Variant Classification Sherloc (09022015). Collection method: clinical testing. Allele origin: germline.
Comment: In summary, the available evidence is currently insufficient to determine the role of this variant in disease. Therefore, it has been classified as a Variant of Uncertain Significance. This sequence change replaces leucine, which is neutral and non-polar, with proline, which is neutral and non-polar, at codon 472 of the SLC25A12 protein (p.Leu472Pro). This variant is present in population databases (no rsID available, gnomAD 0.0009%). This variant has not been reported in the literature in individuals affected with SLC25A12-related conditions. ClinVar contains an entry for this variant (Variation ID: 1405374). Algorithms developed to predict the effect of missense changes on protein structure and function (SIFT, PolyPhen-2, Align-GVGD) all suggest that this variant is likely to be disruptive.